The following is an entry in ClinVar:

ClinVar aggregate classification (germline): Conflicting classifications of pathogenicity. Review status: criteria provided, conflicting classifications (1 of 4 stars). 3 submissions from 3 submitters: Likely pathogenic (1); Uncertain significance (2). Last evaluated 2025-05-25.

Conditions:
Loeys-Dietz syndrome 1 (LDS1). Also called: FURLONG SYNDROME; TGFBR1-Related Loeys-Dietz Syndrome; AORTIC ANEURYSM, FAMILIAL THORACIC 5. Identifiers: Orphanet 60030, MedGen C4551955, MONDO:0012212, OMIM 609192.
Familial thoracic aortic aneurysm and aortic dissection (TAAD). Also called: Thoracic aortic aneurysms and dissections. Identifiers: Orphanet 91387, MedGen C4707243, MONDO:0019625.

Submissions (3):

Labcorp Genetics (formerly Invitae), Labcorp
Classification: Uncertain significance for Familial thoracic aortic aneurysm and aortic dissection. Last evaluated: 2025-05-25. Review status: criteria provided, single submitter. Criteria: Invitae Variant Classification Sherloc (09022015). Collection method: clinical testing. Allele origin: germline.
Comment: This sequence change replaces cysteine, which is neutral and slightly polar, with phenylalanine, which is neutral and non-polar, at codon 347 of the TGFBR1 protein (p.Cys347Phe). This variant is not present in population databases (gnomAD no frequency). This variant has not been reported in the literature in individuals affected with TGFBR1-related conditions. ClinVar contains an entry for this variant (Variation ID: 916291). Invitae Evidence Modeling of protein sequence and biophysical properties (such as structural, functional, and spatial information, amino acid conservation, physicochemical variation, residue mobility, and thermodynamic stability) indicates that this missense variant is expected to disrupt TGFBR1 protein function with a positive predictive value of 80%. In summary, the available evidence is currently insufficient to determine the role of this variant in disease. Therefore, it has been classified as a Variant of Uncertain Significance.

Institute of Human Genetics Munich, TUM University Hospital
Classification: Likely pathogenic for Loeys-Dietz syndrome 1. Last evaluated: 2025-04-14. Review status: criteria provided, single submitter. Criteria: Classification criteria August 2017. Collection method: clinical testing. Allele origin: germline. Inheritance: Autosomal dominant inheritance. Affected: yes. Observed: 1 variant allele.

CeGaT Center for Human Genetics Tuebingen
Classification: Uncertain significance. Last evaluated: 2020-03-01. Review status: criteria provided, single submitter. Criteria: CeGaT Center For Human Genetics Tuebingen Variant Classification Criteria Version 2. Collection method: clinical testing. Allele origin: germline. Affected: yes. Observed: 1 variant allele.

NM_004612.4(TGFBR1):c.1040G>T (p.Cys347Phe)

Gene: TGFBR1 (transforming growth factor beta receptor 1; plus strand). Cytogenetic location: 9q22.33.
Variant type: single nucleotide variant.
Coding change: c.1040G>T on transcript NM_004612.4 (MANE Select); coding-DNA position 1040, G replaced by T.
Protein change: p.Cys347Phe; replaces cysteine 347 with phenylalanine.
Molecular consequence: missense variant.
Genome position (GRCh38, 1-based): chr9:99,144,798, G>T. VCF-style: chr9-99144798-G-T. GRCh37 (hg19) VCF-style: chr9-101907080-G-T.
Other names: c.809G>T, p.Cys270Phe (NM_001130916.3); c.1052G>T, p.Cys351Phe (NM_001306210.2); short protein forms C270F, C351F, C347F.
Identifiers: ClinVar variation 916291 (VCV000916291.45), dbSNP rs113786548, ClinGen allele CA374231422.